The following is an entry in ClinVar:

ClinVar aggregate classification (germline): Pathogenic (1 of 4 stars; one submission).

Submission:

Labcorp Genetics (formerly Invitae), Labcorp
Classification: Pathogenic. Last evaluated: 2024-01-19. Review status: criteria provided, single submitter. Criteria: Invitae Variant Classification Sherloc (09022015). Collection method: clinical testing. Allele origin: germline.
Comment: This variant is a gross deletion of the genomic region encompassing exon(s) 7-15 of the TELO2 gene. This variant would be expected to be in-frame, preserving the integrity of the reading frame. This variant has not been reported in the literature in individuals affected with TELO2-related conditions. This variant disrupts a region of the TELO2 protein in which other variant(s) (p.Cys367Phe) have been determined to be pathogenic (PMID: 27132593, 32940098). This suggests that this is a clinically significant region of the protein, and that variants that disrupt it are likely to be disease-causing. For these reasons, this variant has been classified as Pathogenic.

Literature cited by the submitters: PubMed 27132593; PubMed 32940098.

NC_000016.9:g.(?_1550077)_(1553023_?)del

Gene: TELO2 (telomere maintenance 2; plus strand). Cytogenetic location: 16p13.3.
Variant type: Deletion.
Identifiers: ClinVar variation 2426267 (VCV002426267.4).